The following is an entry in ClinVar:

ClinVar aggregate classification (germline): Uncertain significance. Review status: criteria provided, multiple submitters, no conflicts (2 of 4 stars). 2 submissions from 2 submitters: Uncertain significance (2). Last evaluated 2022-07-01.

Conditions:
Myofibrillar myopathy 5. Also called: Filaminopathy (type); FILAMINOPATHY, AUTOSOMAL DOMINANT. Identifiers: Orphanet 171445, MedGen C1836050, MONDO:0012289, OMIM 609524.
Distal myopathy with posterior leg and anterior hand involvement. Also called: WILLIAMS DISTAL MYOPATHY. Identifiers: Orphanet 63273, MedGen C3279722, MONDO:0013550, OMIM 614065.
Hypertrophic cardiomyopathy 26. Also called: Cardiomyopathy, familial hypertrophic, 26. Identifiers: Orphanet 75249, MedGen C4310749, MONDO:0014883, OMIM 617047.

Submissions (2):

Revvity Omics, Revvity
Classification: Uncertain significance. Last evaluated: 2022-07-01. Review status: criteria provided, single submitter. Criteria: ACMG Guidelines, 2015. Collection method: clinical testing. Allele origin: germline.

Labcorp Genetics (formerly Invitae), Labcorp
Classification: Uncertain significance for Distal myopathy with posterior leg and anterior hand involvement; Myofibrillar myopathy 5; Hypertrophic cardiomyopathy 26. Last evaluated: 2022-02-18. Review status: criteria provided, single submitter. Criteria: Invitae Variant Classification Sherloc (09022015). Collection method: clinical testing. Allele origin: germline.
Comment: This sequence change replaces alanine, which is neutral and non-polar, with proline, which is neutral and non-polar, at codon 2360 of the FLNC protein (p.Ala2360Pro). This variant is not present in population databases (gnomAD no frequency). This variant has not been reported in the literature in individuals affected with FLNC-related conditions. Algorithms developed to predict the effect of missense changes on protein structure and function (SIFT, PolyPhen-2, Align-GVGD) all suggest that this variant is likely to be tolerated. In summary, the available evidence is currently insufficient to determine the role of this variant in disease. Therefore, it has been classified as a Variant of Uncertain Significance.

NM_001458.5(FLNC):c.7078G>C (p.Ala2360Pro)

Genes: FLNC-AS1 (FLNC antisense RNA 1; minus strand), FLNC (filamin C; plus strand). Cytogenetic location: 7q32.1.
Variant type: single nucleotide variant.
Coding change: c.7078G>C on transcript NM_001458.5 (MANE Select); coding-DNA position 7078, G replaced by C.
Protein change: p.Ala2360Pro; replaces alanine 2360 with proline.
Molecular consequence: missense variant.
Genome position (GRCh38, 1-based): chr7:128,854,855, G>C. VCF-style: chr7-128854855-G-C. GRCh37 (hg19) VCF-style: chr7-128494909-G-C.
Other names: c.6979G>C, p.Ala2327Pro (NM_001127487.2); short protein forms A2327P, A2360P.
Identifiers: ClinVar variation 2094769 (VCV002094769.7), dbSNP rs1390516682, ClinGen allele CA369215187.
Genomic context (GRCh38, chr7:128,854,855, plus strand): 5'-CGGGAGGCTGGCGCTGGGGGCCTGTCCATTGCTGTGGAGGGTCCTAGCAAAGCGGAGATT[G>C]CATTTGAGGATCGCAAAGATGGCTCCTGCGGCGTCTCCTATGTCGTCCAGGAACCAGGTG-3'
Protein context (NP_001449.3, residues 2350-2370): AVEGPSKAEI[Ala2360Pro]FEDRKDGSCG